The following is an entry in ClinVar:

ClinVar aggregate classification (germline): Likely pathogenic (1 of 4 stars; one submission).

Conditions:
Gaucher disease. Also called: Acute cerebral Gaucher disease; Cerebroside lipidosis syndrome; Gaucher splenomegaly; Sphingolipidosis 1; Glucocerebrosidosis; Glucosylceramidase deficiency. Identifiers: Orphanet 355, MedGen C0017205, MONDO:0018150.

Submission:

Natera, Inc.
Classification: Likely pathogenic for Gaucher disease. Last evaluated: 2024-03-25. Review status: criteria provided, single submitter. Criteria: Natera Variant Classification Schema (03/2026). Collection method: clinical testing. Allele origin: germline.
Comment: The c.1298delT variant in GBA1 is a frameshift variant predicted to shift the reading frame beginning at codon 433 and leads to a stop codon 11 codons downstream. This variant is expected to result in nonsense mediated decay, truncation, or a dysfunctional protein product. This variant is rare in the general population with a frequency below the threshold expected for the associated phenotype(s). Given the available evidence, this variant is classified as Likely Pathogenic.

NM_000157.4(GBA1):c.1298del (p.Val433fs)

Genes: GBA1 (glucosylceramidase beta 1; minus strand), LOC106627981 (GBA recombination region; plus strand). Cytogenetic location: 1q22.
Variant type: Deletion.
Coding change: c.1298del on transcript NM_000157.4 (MANE Select); coding-DNA position 1298, one base deleted (T; older notation c.1298delT).
Protein change: p.Val433fs; shifts the reading frame from valine 433.
Molecular consequence: frameshift variant.
Genome position (GRCh38, 1-based): chr1:155,235,771, A deleted on the plus strand (T on the coding strand, the reverse complement: GBA1 is on the minus strand). VCF-style (leftmost placement, unchanged base first): chr1-155235770-CA-C. GRCh37 (hg19) VCF-style: chr1-155205561-CA-C.
Other names: c.1298del, p.Val433fs (NM_001005741.3, NM_001005742.3); c.1037del, p.Val346fs (NM_001171811.2); c.1151del, p.Val384fs (NM_001171812.2); short protein forms V346fs, V384fs, V433fs.
Identifiers: ClinVar variation 4817710 (VCV004817710.1).
Genomic context (GRCh38, chr1:155,235,770, plus strand): 5'-CTGTTTGTAAAACGTGTCCTTGGTGATGTCTACAATGATGGGACTGTCGACAAAGTTACG[CA>C]CCCAATTGGGTCCTCCTTCGGGGTTCAGGGCAAGGTTCCAGTCGGTCCAGCCGACCACAT-3'